The following is an entry in ClinVar:

ClinVar aggregate classification (germline): Uncertain significance (1 of 4 stars; one submission).

Submission:

Labcorp Genetics (formerly Invitae), Labcorp
Classification: Uncertain significance. Last evaluated: 2024-01-24. Review status: criteria provided, single submitter. Criteria: Invitae Variant Classification Sherloc (09022015). Collection method: clinical testing. Allele origin: germline.
Comment: This sequence change replaces serine, which is neutral and polar, with arginine, which is basic and polar, at codon 561 of the SLC6A19 protein (p.Ser561Arg). This variant is not present in population databases (gnomAD no frequency). This variant has not been reported in the literature in individuals affected with SLC6A19-related conditions. Advanced modeling of protein sequence and biophysical properties (such as structural, functional, and spatial information, amino acid conservation, physicochemical variation, residue mobility, and thermodynamic stability) performed at Invitae indicates that this missense variant is not expected to disrupt SLC6A19 protein function with a negative predictive value of 80%. In summary, the available evidence is currently insufficient to determine the role of this variant in disease. Therefore, it has been classified as a Variant of Uncertain Significance.

NM_001003841.3(SLC6A19):c.1683C>A (p.Ser561Arg)

Gene: SLC6A19 (solute carrier family 6 member 19; plus strand). Cytogenetic location: 5p15.33.
Variant type: single nucleotide variant.
Coding change: c.1683C>A on transcript NM_001003841.3 (MANE Select); coding-DNA position 1683, C replaced by A.
Protein change: p.Ser561Arg; replaces serine 561 with arginine.
Molecular consequence: missense variant.
Genome position (GRCh38, 1-based): chr5:1,221,295, C>A. VCF-style: chr5-1221295-C-A. GRCh37 (hg19) VCF-style: chr5-1221410-C-A.
Other names: short protein forms S561R.
Identifiers: ClinVar variation 2813909 (VCV002813909.3), dbSNP rs2477964226, ClinGen allele CA359077425.